The following is an entry in ClinVar:

NM_182914.3(SYNE2):c.3639-1G>C

Gene: SYNE2 (spectrin repeat containing nuclear envelope protein 2; plus strand). Cytogenetic location: 14q23.2.
Variant type: single nucleotide variant.
Coding change: c.3639-1G>C on transcript NM_182914.3 (MANE Select); the canonical splice acceptor site of the intron before coding-DNA position 3639, G replaced by C.
Molecular consequence: splice acceptor variant.
Genome position (GRCh38, 1-based): chr14:64,001,933, G>C. VCF-style: chr14-64001933-G-C. GRCh37 (hg19) VCF-style: chr14-64468651-G-C.
Other names: c.3639-1G>C (NM_015180.6).
Identifiers: ClinVar variation 1001655 (VCV001001655.7), dbSNP rs1308678682, ClinGen allele CA389994164.

ClinVar aggregate classification (germline): Uncertain significance (1 of 4 stars; one submission).

Conditions:
Emery-Dreifuss muscular dystrophy 5, autosomal dominant (EDMD5). Also called: EMERY-DREIFUSS MUSCULAR DYSTROPHY 5. Identifiers: Orphanet 261, MedGen C2751805, MONDO:0013072, OMIM 612999.

Allele frequency attached by ClinVar (database versions not stated): gnomAD 0.00001; gnomAD exomes 0.00001; TOPMed 0.00002.
gnomAD v4.1: 10 of 1,613,994 alleles (0.00062%); highest among the groups gnomAD compares: Non-Finnish European, 0.00085%; no homozygotes.

Submission:

Labcorp Genetics (formerly Invitae), Labcorp
Classification: Uncertain significance for Emery-Dreifuss muscular dystrophy 5, autosomal dominant. Last evaluated: 2024-05-17. Review status: criteria provided, single submitter. Criteria: Invitae Variant Classification Sherloc (09022015). Collection method: clinical testing. Allele origin: germline.
Comment: This sequence change affects an acceptor splice site in intron 28 of the SYNE2 gene. It is expected to disrupt RNA splicing. Variants that disrupt the donor or acceptor splice site typically lead to a loss of protein function (PMID: 16199547), however the current clinical and genetic evidence is not sufficient to establish whether loss-of-function variants in SYNE2 cause disease. This variant is not present in population databases (gnomAD no frequency). This variant has not been reported in the literature in individuals affected with SYNE2-related conditions. ClinVar contains an entry for this variant (Variation ID: 1001655). Algorithms developed to predict the effect of sequence changes on RNA splicing suggest that this variant may disrupt the consensus splice site. In summary, the available evidence is currently insufficient to determine the role of this variant in disease. Therefore, it has been classified as a Variant of Uncertain Significance.

Literature cited by the submitters: PubMed 16199547.